The following is an entry in ClinVar:

NM_080424.4(SP110):c.728A>G (p.His243Arg)

Genes: SP140 (SP140 nuclear body protein; plus strand), SP110 (SP110 nuclear body protein; minus strand). Cytogenetic location: 2q37.1.
Variant type: single nucleotide variant.
Coding change: c.728A>G on transcript NM_080424.4 (MANE Select); coding-DNA position 728, A replaced by G.
Protein change: p.His243Arg; replaces histidine 243 with arginine.
Molecular consequence: missense variant.
Genome position (GRCh38, 1-based): chr2:230,211,493, T>C on the plus strand (A>G on the coding strand, the complement: SP110 is on the minus strand). VCF-style: chr2-230211493-T-C. GRCh37 (hg19) VCF-style: chr2-231076208-T-C.
Other names: c.746A>G, p.His249Arg (NM_001378444.1, NM_001378445.1, NM_001378446.1 and 2 more transcripts); c.728A>G, p.His243Arg (NM_001378447.1, NM_004509.5, NM_004510.4 and 1 more transcripts); short protein forms H249R, H243R.
Identifiers: ClinVar variation 1929243 (VCV001929243.5), dbSNP rs2469995868, ClinGen allele CA350915428.

ClinVar aggregate classification (germline): Uncertain significance (1 of 4 stars; one submission).

Conditions:
Hepatic veno-occlusive disease-immunodeficiency syndrome. Also called: Hepatic Veno-Occlusive Disease with Immunodeficiency. Identifiers: Orphanet 79124, MedGen C1856128, MONDO:0009338, OMIM 235550. Disease mechanism: loss of function.

Submission:

Labcorp Genetics (formerly Invitae), Labcorp
Classification: Uncertain significance for Hepatic veno-occlusive disease-immunodeficiency syndrome. Last evaluated: 2022-07-25. Review status: criteria provided, single submitter. Criteria: Invitae Variant Classification Sherloc (09022015). Collection method: clinical testing. Allele origin: germline.
Comment: In summary, the available evidence is currently insufficient to determine the role of this variant in disease. Therefore, it has been classified as a Variant of Uncertain Significance. Algorithms developed to predict the effect of missense changes on protein structure and function output the following: SIFT: "Tolerated"; PolyPhen-2: "Benign"; Align-GVGD: "Class C0". The arginine amino acid residue is found in multiple mammalian species, which suggests that this missense change does not adversely affect protein function. This variant has not been reported in the literature in individuals affected with SP110-related conditions. This variant is not present in population databases (gnomAD no frequency). This sequence change replaces histidine, which is basic and polar, with arginine, which is basic and polar, at codon 243 of the SP110 protein (p.His243Arg).